The following is an entry in ClinVar:

NM_001165963.4(SCN1A):c.4775T>C (p.Leu1592Pro)

Genes: SCN1A (sodium voltage-gated channel alpha subunit 1; minus strand), LOC102724058 (uncharacterized LOC102724058; plus strand). Cytogenetic location: 2q24.3.
Variant type: single nucleotide variant.
Coding change: c.4775T>C on transcript NM_001165963.4 (MANE Select); coding-DNA position 4775, T replaced by C.
Protein change: p.Leu1592Pro; replaces leucine 1592 with proline.
Molecular consequence: missense variant. On other transcripts: non-coding transcript variant (1).
Genome position (GRCh38, 1-based): chr2:165,994,223, A>G on the plus strand (T>C on the coding strand, the complement: SCN1A is on the minus strand). VCF-style: chr2-165994223-A-G. GRCh37 (hg19) VCF-style: chr2-166850733-A-G.
Other names: c.4691T>C, p.Leu1564Pro (NM_001165964.3, NM_001353957.2, NM_001353958.2); c.4775T>C, p.Leu1592Pro (NM_001202435.3, NM_001353948.2); c.4742T>C, p.Leu1581Pro (NM_001353949.2, NM_001353950.2, NM_001353951.2 and 2 more transcripts); c.4739T>C, p.Leu1580Pro (NM_001353954.2, NM_001353955.2); c.4688T>C, p.Leu1563Pro (NM_001353960.2); c.2333T>C, p.Leu778Pro (NM_001353961.2); short protein forms L1563P, L1564P, L778P, L1580P, L1581P, L1592P.
Identifiers: ClinVar variation 934340 (VCV000934340.11), dbSNP rs1689684958, ClinGen allele CA349071572.

ClinVar aggregate classification (germline): Conflicting classifications of pathogenicity. Review status: criteria provided, conflicting classifications (1 of 4 stars). 2 submissions from 2 submitters: Likely pathogenic (1); Uncertain significance (1). Last evaluated 2025-07-09.

Conditions:
Early-infantile DEE. Also called: Early infantile epileptic encephalopathy; Ohtahara syndrome; Early infantile epileptic encephalopathy with suppression bursts. Identifiers: Orphanet 1934, MedGen C0393706, MONDO:0800491.
Severe myoclonic epilepsy in infancy (DRVT). Also called: SEVERE MYOCLONIC EPILEPSY OF INFANCY; DEVELOPMENTAL AND EPILEPTIC ENCEPHALOPATHY 6A; Severe Myoclonic Epilepsy in Infancy (SMEI); Epileptic encephalopathy, early infantile, 6 (Dravet syndrome); Dravet syndrome. Identifiers: Orphanet 33069, MedGen C0751122, MONDO:0100135, OMIM 607208.

Submissions (2):

Labcorp Genetics (formerly Invitae), Labcorp
Classification: Likely pathogenic for Early-infantile DEE. Last evaluated: 2025-07-09. Review status: criteria provided, single submitter. Criteria: Invitae Variant Classification Sherloc (09022015). Collection method: clinical testing. Allele origin: germline.
Comment: This sequence change replaces leucine, which is neutral and non-polar, with proline, which is neutral and non-polar, at codon 1592 of the SCN1A protein (p.Leu1592Pro). This variant is not present in population databases (gnomAD no frequency). This missense change has been observed in individual(s) with Dravet syndrome (PMID: 21248271). ClinVar contains an entry for this variant (Variation ID: 934340). Invitae Evidence Modeling of protein sequence and biophysical properties (such as structural, functional, and spatial information, amino acid conservation, physicochemical variation, residue mobility, and thermodynamic stability) indicates that this missense variant is expected to disrupt SCN1A protein function with a positive predictive value of 95%. In summary, the currently available evidence indicates that the variant is pathogenic, but additional data are needed to prove that conclusively. Therefore, this variant has been classified as Likely Pathogenic.

Genomic Medicine Center of Excellence, King Faisal Specialist Hospital and Research Centre
Classification: Uncertain significance for Severe myoclonic epilepsy in infancy. Last evaluated: 2024-04-04. Review status: criteria provided, single submitter. Criteria: ACMG Guidelines, 2015. Collection method: clinical testing. Allele origin: germline.

Literature cited by the submitters: PubMed 21248271 (cited by Labcorp Genetics (formerly Invitae), Labcorp).